The following is an entry in ClinVar:

NM_001927.4(DES):c.1306del (p.Arg436fs)

Gene: DES (desmin; plus strand). Cytogenetic location: 2q35.
Variant type: Deletion.
Coding change: c.1306del on transcript NM_001927.4 (MANE Select); coding-DNA position 1306, one base deleted (A; older notation c.1306delA).
Protein change: p.Arg436fs; shifts the reading frame from arginine 436.
Molecular consequence: frameshift variant.
Genome position (GRCh38, 1-based): chr2:219,425,680, A deleted; the last of 3 consecutive A bases (chr2:219,425,678-219,425,680); deleting any one gives the same sequence. VCF-style (leftmost placement, unchanged base first): chr2-219425677-CA-C. GRCh37 (hg19) VCF-style: chr2-220290399-CA-C.
Other names: c.1303del, p.Arg435fs (NM_001382708.1); c.874del, p.Arg292fs (NM_001382709.1); c.1237del, p.Arg413fs (NM_001382710.1); c.1285del, p.Arg429fs (NM_001382711.1); c.1306del, p.Arg436fs (NM_001382712.1); c.1036del, p.Arg346fs (NM_001382713.1); short protein forms R292fs, R346fs, R413fs, R429fs, R435fs, R436fs.
Identifiers: ClinVar variation 3221928 (VCV003221928.1), dbSNP rs2545263585, ClinGen allele CA2825001089.
Genomic context (GRCh38, chr2:219,425,677, plus strand): 5'-CAGCCTGGACTTGGTCAGGCTGAGTGTGCGATGGACCCTGTTACAGAAACCAGCCCTGAG[CA>C]AAGGGGTTCTGAGGTCCATACCAAGAAGACGGTGATGATCAAGACCATCGAGACACGGGA-3'

ClinVar aggregate classification (germline): Uncertain significance (1 of 4 stars; one submission).

Conditions:
Cardiovascular phenotype. Identifiers: MedGen CN230736.

Submission:

Ambry Genetics
Classification: Uncertain significance for Cardiovascular phenotype. Last evaluated: 2022-11-26. Review status: criteria provided, single submitter. Criteria: Ambry Variant Classification Scheme 2023. Collection method: clinical testing. Allele origin: germline.
Comment: The c.1306delA variant, located in coding exon 8 of the DES gene, results from a deletion of one nucleotide at nucleotide position 1306, causing a translational frameshift with a predicted alternate stop codon (p.R436Gfs*11). This alteration occurs at the 3' terminus of theDES gene, is not expected to trigger nonsense-mediated mRNAdecay, and only impacts the last 7% of the protein. The exact functional effect of this alteration is unknown. Since supporting evidence is limited at this time, the clinical significance of this alteration remains unclear.